The following is an entry in ClinVar:

ClinVar aggregate classification (germline): Uncertain significance. Review status: criteria provided, multiple submitters, no conflicts (2 of 4 stars). 2 submissions from 2 submitters: Uncertain significance (2). Last evaluated 2023-12-29.

Conditions:
Hereditary cancer-predisposing syndrome. Also called: Neoplastic Syndromes, Hereditary; Tumor predisposition; Hereditary neoplastic syndrome; Hereditary Cancer Syndrome. Identifiers: Orphanet 140162, MedGen C0027672, MeSH D009386, MONDO:0015356.
Cardiovascular phenotype. Identifiers: MedGen CN230736.
LZTR1-related schwannomatosis. Also called: Schwannomatosis 2; Schwannomatosis-2, susceptibility to. Identifiers: Orphanet 93921, MedGen C3810283, MONDO:0014299, OMIM 615670.

Allele frequency attached by ClinVar (database versions not stated): gnomAD exomes below 0.00001.
gnomAD v4.1: 2 of 1,613,488 alleles (0.00012%); highest among the groups gnomAD compares: Non-Finnish European, 0.00017%; no homozygotes.

Submissions (2):

Ambry Genetics
Classification: Uncertain significance for Cardiovascular phenotype; Hereditary cancer-predisposing syndrome. Last evaluated: 2023-12-29. Review status: criteria provided, single submitter. Criteria: Ambry Variant Classification Scheme 2023. Collection method: clinical testing. Allele origin: germline.
Comment: The p.Y747C variant (also known as c.2240A>G), located in coding exon 19 of the LZTR1 gene, results from an A to G substitution at nucleotide position 2240. The tyrosine at codon 747 is replaced by cysteine, an amino acid with highly dissimilar properties. This amino acid position is conserved. In addition, this alteration is predicted to be deleterious by in silico analysis. Since supporting evidence is limited at this time, the clinical significance of this alteration remains unclear.

Baylor Genetics
Classification: Uncertain significance for LZTR1-related schwannomatosis. Last evaluated: 2023-12-05. Review status: criteria provided, single submitter. Criteria: ACMG Guidelines, 2015. Collection method: clinical testing. Allele origin: unknown.

NM_006767.4(LZTR1):c.2240A>G (p.Tyr747Cys)

Gene: LZTR1 (leucine zipper like post translational regulator 1; plus strand). Cytogenetic location: 22q11.21.
Variant type: single nucleotide variant.
Coding change: c.2240A>G on transcript NM_006767.4 (MANE Select); coding-DNA position 2240, A replaced by G.
Protein change: p.Tyr747Cys; replaces tyrosine 747 with cysteine.
Molecular consequence: missense variant.
Genome position (GRCh38, 1-based): chr22:20,996,716, A>G. VCF-style: chr22-20996716-A-G. GRCh37 (hg19) VCF-style: chr22-21351005-A-G.
Other names: short protein forms Y747C.
Identifiers: ClinVar variation 3238221 (VCV003238221.2), dbSNP rs1474790426.